The following is an entry in ClinVar:

NM_000503.6(EYA1):c.1570_1571insTA (p.Glu524fs)

Gene: EYA1 (EYA transcriptional coactivator and phosphatase 1; minus strand). Cytogenetic location: 8q13.3.
Variant type: Insertion.
Coding change: c.1570_1571insTA on transcript NM_000503.6 (MANE Select); coding-DNA positions 1570 to 1571, TA inserted.
Protein change: p.Glu524fs; shifts the reading frame from glutamic acid 524.
Molecular consequence: frameshift variant.
Genome position: GRCh38 VCF-style: chr8-71215413-T-TTA. GRCh37 (hg19) VCF-style: chr8-72127648-T-TTA.
Other names: c.1552_1553insTA, p.Glu518fs (NM_001288574.2, NM_172059.5); c.1204_1205insTA, p.Glu402fs (NM_001288575.2); c.1657_1658insTA, p.Glu553fs (NM_001370333.1); c.1570_1571insTA, p.Glu524fs (NM_001370334.1, NM_001370335.1, NM_172058.4); c.1549_1550insTA, p.Glu517fs (NM_001370336.1); c.1471_1472insTA, p.Glu491Valfs (NM_001411797.1, NM_172060.4); short protein forms E553fs, E517fs, E524fs, E518fs, E402fs.
Identifiers: ClinVar variation 2022135 (VCV002022135.4), dbSNP rs2537274008, ClinGen allele CA2580078920.

ClinVar aggregate classification (germline): Pathogenic (1 of 4 stars; one submission).

Conditions:
Melnick-Fraser syndrome (BOR). Also called: Branchio-oto-renal syndrome; Branchiootorenal Syndrome (BORS); Branchiootorenal syndrome. Identifiers: Orphanet 107, MedGen C0265234, MONDO:0007029.

Submission:

Labcorp Genetics (formerly Invitae), Labcorp
Classification: Pathogenic for Melnick-Fraser syndrome. Last evaluated: 2022-10-10. Review status: criteria provided, single submitter. Criteria: Invitae Variant Classification Sherloc (09022015). Collection method: clinical testing. Allele origin: germline.
Comment: For these reasons, this variant has been classified as Pathogenic. This variant has not been reported in the literature in individuals affected with EYA1-related conditions. This variant is not present in population databases (gnomAD no frequency). This sequence change creates a premature translational stop signal (p.Glu524Valfs*10) in the EYA1 gene. It is expected to result in an absent or disrupted protein product. Loss-of-function variants in EYA1 are known to be pathogenic (PMID: 10464653, 18220287).

Literature cited by the submitters: PubMed 10464653; PubMed 18220287.